The following is an entry in ClinVar:

NM_000051.4(ATM):c.6944T>C (p.Met2315Thr)

Genes: ATM (ATM serine/threonine kinase; plus strand), C11orf65 (chromosome 11 open reading frame 65; minus strand). Cytogenetic location: 11q22.3.
Variant type: single nucleotide variant.
Coding change: c.6944T>C on transcript NM_000051.4 (MANE Select); coding-DNA position 6944, T replaced by C.
Protein change: p.Met2315Thr; replaces methionine 2315 with threonine.
Molecular consequence: missense variant. On other transcripts: intron variant (2).
Genome position (GRCh38, 1-based): chr11:108,326,194, T>C. VCF-style: chr11-108326194-T-C. GRCh37 (hg19) VCF-style: chr11-108196921-T-C.
Other names: c.6944T>C, p.Met2315Thr (NM_001351834.2); c.641-17123A>G (NM_001330368.2); c.*38+9026A>G (NM_001351110.2); short protein forms M2315T.
Identifiers: ClinVar variation 481318 (VCV000481318.15), dbSNP rs1555120006, ClinGen allele CA382557267.

ClinVar aggregate classification (germline): Uncertain significance. Review status: criteria provided, multiple submitters, no conflicts (2 of 4 stars). 3 submissions from 3 submitters: Uncertain significance (3). Last evaluated 2025-02-03.

Conditions:
Hereditary cancer-predisposing syndrome. Also called: Neoplastic Syndromes, Hereditary; Hereditary Cancer Syndrome; Tumor predisposition; Hereditary neoplastic syndrome. Identifiers: Orphanet 140162, MedGen C0027672, MeSH D009386, MONDO:0015356.
Ataxia-telangiectasia syndrome (AT). Also called: LOUIS-BAR SYNDROME; Cerebello-oculocutaneous telangiectasia; Immunodeficiency with ataxia telangiectasia; Ataxia-telangiectasia, complementation group D; AT, COMPLEMENTATION GROUP C; Ataxia-telangiectasia, complementation group E. Identifiers: Orphanet 100, MedGen C0004135, MONDO:0008840, OMIM 208900.

Allele frequency attached by ClinVar (database versions not stated): gnomAD exomes below 0.00001; gnomAD 0.00001.
gnomAD v4.1: 2 of 1,614,018 alleles (0.00012%); highest among the groups gnomAD compares: Non-Finnish European, 0.00017%; no homozygotes.

Submissions (3):

Labcorp Genetics (formerly Invitae), Labcorp
Classification: Uncertain significance for Ataxia-telangiectasia syndrome. Last evaluated: 2025-02-03. Review status: criteria provided, single submitter. Criteria: Invitae Variant Classification Sherloc (09022015). Collection method: clinical testing. Allele origin: germline.
Comment: This sequence change replaces methionine, which is neutral and non-polar, with threonine, which is neutral and polar, at codon 2315 of the ATM protein (p.Met2315Thr). This variant is not present in population databases (gnomAD no frequency). This variant has not been reported in the literature in individuals affected with ATM-related conditions. ClinVar contains an entry for this variant (Variation ID: 481318). Invitae Evidence Modeling of protein sequence and biophysical properties (such as structural, functional, and spatial information, amino acid conservation, physicochemical variation, residue mobility, and thermodynamic stability) has been performed for this missense variant. However, the output from this modeling did not meet the statistical confidence thresholds required to predict the impact of this variant on ATM protein function. In summary, the available evidence is currently insufficient to determine the role of this variant in disease. Therefore, it has been classified as a Variant of Uncertain Significance.

GeneDx
Classification: Uncertain significance. Last evaluated: 2024-02-02. Review status: criteria provided, single submitter. Criteria: GeneDx Variant Classification Process June 2021. Collection method: clinical testing. Allele origin: germline. Affected: yes.
Comment: Not observed at significant frequency in large population cohorts (gnomAD); In silico analysis supports that this missense variant has a deleterious effect on protein structure/function; Has not been previously published as pathogenic or benign to our knowledge; This variant is associated with the following publications: (PMID: 23532176)

Ambry Genetics
Classification: Uncertain significance for Hereditary cancer-predisposing syndrome. Last evaluated: 2024-01-20. Review status: criteria provided, single submitter. Criteria: Ambry Variant Classification Scheme 2023. Collection method: clinical testing. Allele origin: germline.
Comment: The p.M2315T variant (also known as c.6944T>C), located in coding exon 46 of the ATM gene, results from a T to C substitution at nucleotide position 6944. The methionine at codon 2315 is replaced by threonine, an amino acid with similar properties. This amino acid position is well conserved in available vertebrate species. In addition, this alteration is predicted to be deleterious by in silico analysis. Since supporting evidence is limited at this time, the clinical significance of this alteration remains unclear.